The following is an entry in ClinVar:

NM_000038.6(APC):c.209del (p.Glu70fs)

Gene: APC (APC regulator of Wnt signaling pathway; plus strand). Cytogenetic location: 5q22.2.
Variant type: Deletion.
Coding change: c.209del on transcript NM_000038.6 (MANE Select); coding-DNA position 209, one base deleted (A; older notation c.209delA).
Protein change: p.Glu70fs; shifts the reading frame from glutamic acid 70.
Molecular consequence: frameshift variant. On other transcripts: 5 prime UTR variant (4), non-coding transcript variant (2).
Genome position (GRCh38, 1-based): chr5:112,766,399, A deleted. VCF-style (leftmost placement, unchanged base first): chr5-112766398-GA-G. GRCh37 (hg19) VCF-style: chr5-112102095-GA-G.
Other names: c.209del, p.Glu70fs (NM_001127510.3, NM_001354895.2, NM_001354896.2 and 16 more transcripts); c.239del, p.Glu80fs (NM_001354897.2, NM_001127511.3, NM_001354902.2 and 1 more transcripts); c.134del, p.Glu45fs (NM_001354898.2, NM_001354904.2, NM_001407451.1); c.32del, p.Glu11fs (NM_001354900.2, NM_001354901.2, NM_001354905.2 and 1 more transcripts); c.-827del (NM_001354906.2, NM_001407470.1, NM_001407471.1 and 1 more transcripts); short protein forms E45fs, E11fs, E80fs, E70fs.
Identifiers: ClinVar variation 3729037 (VCV003729037.2).

ClinVar aggregate classification (germline): Pathogenic (1 of 4 stars; one submission).

Conditions:
Familial adenomatous polyposis 1 (FAP1). Also called: FAMILIAL ADENOMATOUS POLYPOSIS 1, ATTENUATED; POLYPOSIS, ADENOMATOUS INTESTINAL. Identifiers: MedGen C2713442, MONDO:0021056, OMIM 175100. Disease mechanism: loss of function.

Submission:

Labcorp Genetics (formerly Invitae), Labcorp
Classification: Pathogenic for Familial adenomatous polyposis 1. Last evaluated: 2025-01-15. Review status: criteria provided, single submitter. Criteria: Invitae Variant Classification Sherloc (09022015). Collection method: clinical testing. Allele origin: germline.
Comment: This sequence change creates a premature translational stop signal (p.Glu70Glyfs*8) in the APC gene. It is expected to result in an absent or disrupted protein product. Loss-of-function variants in APC are known to be pathogenic (PMID: 17963004, 20685668). This variant is not present in population databases (gnomAD no frequency). This variant has not been reported in the literature in individuals affected with APC-related conditions. For these reasons, this variant has been classified as Pathogenic.

Literature cited by the submitters: PubMed 17963004; PubMed 20685668.